The following is an entry in ClinVar:

ClinVar aggregate classification (germline): Uncertain significance. Review status: criteria provided, single submitter (1 of 4 stars). 2 submissions from 2 submitters: Uncertain significance (1). 1 of the submissions does not count toward it. Last evaluated 2022-10-11.

Conditions:
Intellectual disability, X-linked 49 (MRXSRC). Also called: MENTAL RETARDATION, X-LINKED 15; MRX49; CLCN4-Related Neurodevelopmental Disorder; CLCN4-related X-linked intellectual disability syndrome; RAYNAUD-CLAES SYNDROME. Identifiers: Orphanet 485350, Orphanet 777, MedGen C0796221, MONDO:0010250, OMIM 300114.

Submissions (2):

Labcorp Genetics (formerly Invitae), Labcorp
Classification: Uncertain significance. Last evaluated: 2022-10-11. Review status: criteria provided, single submitter. Criteria: Invitae Variant Classification Sherloc (09022015). Collection method: clinical testing. Allele origin: germline.
Comment: In summary, the available evidence is currently insufficient to determine the role of this variant in disease. Therefore, it has been classified as a Variant of Uncertain Significance. Experimental studies are conflicting or provide insufficient evidence to determine the effect of this variant on CLCN4 function (PMID: 25644381). Advanced modeling of protein sequence and biophysical properties (such as structural, functional, and spatial information, amino acid conservation, physicochemical variation, residue mobility, and thermodynamic stability) performed at Invitae indicates that this missense variant is expected to disrupt CLCN4 protein function. ClinVar contains an entry for this variant (Variation ID: 253114). This missense change has been observed in individual(s) with clinical features of CLCN4-related conditions (PMID: 25644381). This variant is not present in population databases (gnomAD no frequency). This sequence change replaces glycine, which is neutral and non-polar, with serine, which is neutral and polar, at codon 78 of the CLCN4 protein (p.Gly78Ser).

OMIM
Classification: Pathogenic for RAYNAUD-CLAES SYNDROME. Last evaluated: 2018-11-07. Review status: no assertion criteria provided. Collection method: literature only. Allele origin: germline. Not counted in ClinVar's aggregate classification.

Literature cited by the submitters: PubMed 25644381 (cited by Labcorp Genetics (formerly Invitae), Labcorp and OMIM).

NM_001830.4(CLCN4):c.232G>A (p.Gly78Ser)

Gene: CLCN4 (Cl-/H+ antiporter 4; plus strand). Cytogenetic location: Xp22.2.
Variant type: single nucleotide variant.
Coding change: c.232G>A on transcript NM_001830.4 (MANE Select); coding-DNA position 232, G replaced by A.
Protein change: p.Gly78Ser; replaces glycine 78 with serine.
Molecular consequence: missense variant. On other transcripts: intron variant (1).
Genome position (GRCh38, 1-based): chrX:10,187,602, G>A. VCF-style: chrX-10187602-G-A. GRCh37 (hg19) VCF-style: chrX-10155642-G-A.
Other names: c.-38-7309G>A (NM_001256944.2); short protein forms G78S.
Identifiers: ClinVar variation 253114 (VCV000253114.7), dbSNP rs1569226551, ClinGen allele CA412032993.